The following is an entry in ClinVar:

NM_006306.4(SMC1A):c.2482_2489del (p.Leu828fs)

Gene: SMC1A (structural maintenance of chromosomes 1A; minus strand). Cytogenetic location: Xp11.22.
Variant type: Deletion.
Coding change: c.2482_2489del on transcript NM_006306.4 (MANE Select); coding-DNA positions 2482 to 2489, 8 bases deleted (CTGAAGGA; older notation c.2482_2489delCTGAAGGA).
Protein change: p.Leu828fs; shifts the reading frame from leucine 828.
Molecular consequence: frameshift variant.
Genome position (GRCh38, 1-based): chrX:53,399,662-53,399,669, TCCTTCAG deleted on the plus strand (CTGAAGGA on the coding strand, the reverse complement: SMC1A is on the minus strand); deleting any 8 consecutive bases within chrX:53,399,662-53,399,670 gives the same sequence; the c. name uses the placement nearest the transcript's 3' end. VCF-style (leftmost placement, unchanged base first): chrX-53399661-CTCCTTCAG-C. GRCh37 (hg19) VCF-style: chrX-53426583-CTCCTTCAG-C.
Other names: c.2416_2423del, p.Leu806fs (NM_001281463.1); short protein forms L806fs, L828fs.
Identifiers: ClinVar variation 2673235 (VCV002673235.23), dbSNP rs2520904776, ClinGen allele CA2695200217.

ClinVar aggregate classification (germline): Pathogenic (1 of 4 stars; one submission).

Submission:

CeGaT Center for Human Genetics Tuebingen
Classification: Pathogenic. Last evaluated: 2023-11-01. Review status: criteria provided, single submitter. Criteria: CeGaT Center For Human Genetics Tuebingen Variant Classification Criteria Version 2. Collection method: clinical testing. Allele origin: germline. Affected: yes. Observed: 1 variant allele.
Comment: SMC1A: PVS1, PM2